The following is an entry in ClinVar:

NM_001384140.1(PCDH15):c.243G>A (p.Val81=)

Gene: PCDH15 (protocadherin related 15; minus strand). Cytogenetic location: 10q21.1.
Variant type: single nucleotide variant.
Coding change: c.243G>A on transcript NM_001384140.1 (MANE Select); coding-DNA position 243, G replaced by A.
Protein change: p.Val81=; no amino-acid change (valine 81 retained).
Molecular consequence: synonymous variant.
Genome position (GRCh38, 1-based): chr10:54,378,857, C>T on the plus strand (G>A on the coding strand, the complement: PCDH15 is on the minus strand). VCF-style: chr10-54378857-C-T. GRCh37 (hg19) VCF-style: chr10-56138617-C-T.
Other names: c.258G>A, p.Val86= (NM_001142763.2, NM_001142769.4, NM_001142771.2); c.243G>A, p.Val81= (NM_001142764.2, NM_001142765.2, NM_001142766.2 and 8 more transcripts); c.177G>A, p.Val59= (NM_001142768.2, NM_001142773.2, NM_001354404.2).
Identifiers: ClinVar variation 46452 (VCV000046452.36), dbSNP rs151119732, ClinGen allele CA138388.

ClinVar aggregate classification (germline): Conflicting classifications of pathogenicity. Review status: criteria provided, conflicting classifications (1 of 4 stars). 8 submissions from 8 submitters: Uncertain significance (1); Benign (2); Likely benign (4). 1 of the submissions does not count toward it. Last evaluated 2026-08-01.

Conditions:
Usher syndrome type 1 (USH1). Also called: RETINITIS PIGMENTOSA AND CONGENITAL DEAFNESS. Identifiers: Orphanet 231169, Orphanet 886, MedGen C1568247, MONDO:0010168, OMIM 276900.
Usher syndrome type 1F (USH1F). Also called: USHER SYNDROME, TYPE IF. Identifiers: Orphanet 231169, Orphanet 886, MedGen C1865885, MONDO:0011186, OMIM 602083.

Allele frequency attached by ClinVar (database versions not stated): gnomAD 0.00073 and 0.00072; ESP Exome Variant Server 0.00085; ExAC 0.00067; gnomAD exomes 0.00099 and 0.00047; TOPMed 0.00126.
gnomAD v4.1: 861 of 1,613,718 alleles (0.053%); highest among the groups gnomAD compares: Admixed American, 0.15%; 4 homozygotes.

Submissions (8):

CeGaT Center for Human Genetics Tuebingen
Classification: Likely benign. Last evaluated: 2026-08-01. Review status: criteria provided, single submitter. Criteria: CeGaT Center For Human Genetics Tuebingen Variant Classification Criteria Version 2. Collection method: clinical testing. Allele origin: germline. Affected: yes. Observed: 2 variant alleles.
Comment: PCDH15: BP4, BS1

Labcorp Genetics (formerly Invitae), Labcorp
Classification: Benign. Last evaluated: 2026-01-25. Review status: criteria provided, single submitter. Criteria: Invitae Variant Classification Sherloc (09022015). Collection method: clinical testing. Allele origin: germline.

Blueprint Genetics
Classification: Likely benign. Last evaluated: 2024-10-22. Review status: criteria provided, single submitter. Criteria: ACMG Guidelines, 2015. Collection method: clinical testing. Allele origin: germline.

Illumina Laboratory Services, Illumina
Classification: Uncertain significance for Usher syndrome type 1. Last evaluated: 2018-01-13. Review status: criteria provided, single submitter. Criteria: ICSL Variant Classification Criteria 13 December 2019. Collection method: clinical testing. Allele origin: germline.

Laboratory for Molecular Medicine, Mass General Brigham Personalized Medicine
Classification: Likely benign. Last evaluated: 2017-02-28. Review status: criteria provided, single submitter. Criteria: LMM Criteria. Collection method: clinical testing. Allele origin: germline. Observed: 7 variant alleles.
Comment: p.Val81Val in Exon 4 of PCDH15: This variant is not expected to have clinical si gnificance because it does not alter an amino acid residue and is not located ne ar a splice junction. It has also been identified in 0.1% (68/66706) European ch romosomes by the Exome Aggregation Consortium (ExAC. org; rs15119732).

Women's Health and Genetics/Laboratory Corporation of America, LabCorp
Classification: Likely benign. Last evaluated: 2016-09-26. Review status: criteria provided, single submitter. Criteria: LabCorp Variant Classification Summary - May 2015. Collection method: clinical testing. Allele origin: germline.
Comment: Variant summary: The PCDH15 c.243G>A (p.Val81Val) variant involves the alteration of a non-conserved nucleotide, resulting in a synonymous change. 3/5 splice prediction tools predict no significant impact on normal splicing. However, these predictions have yet to be confirmed by functional studies. This variant was found in 81/121286 control chromosomes at a frequency of 0.0006678, which does not exceed the estimated maximal expected allele frequency of a pathogenic PCDH15 variant (0.0031623). One clinical diagnostic laboratory has classified this variant as likely benign. The variant of interest has not, to our knowledge, been reported in affected individuals via publications and/or reputable databases. Taken together, this variant is classified as Likely Benign.

GeneDx
Classification: Benign. Last evaluated: 2015-03-03. Review status: criteria provided, single submitter. Criteria: GeneDx Variant Classification Process June 2021. Collection method: clinical testing. Allele origin: germline. Affected: yes.

Natera, Inc.
Classification: Benign for Usher syndrome type 1F. Last evaluated: 2020-04-15. Review status: no assertion criteria provided. Collection method: clinical testing. Allele origin: germline. Not counted in ClinVar's aggregate classification.